The following is an entry in ClinVar:

ClinVar aggregate classification (germline): Uncertain significance (1 of 4 stars; one submission).

Conditions:
Complement component 3 deficiency. Identifiers: Orphanet 280133, MedGen C3151071, MONDO:0013417, OMIM 613779.
C3 glomerulonephritis. Also called: Nephropathy due to CFHR5 Deficiency; C3 GLOMERULOPATHY 3. Identifiers: Orphanet 329931, MedGen C4055342, MONDO:0013892, OMIM 614809.
Atypical hemolytic-uremic syndrome. Identifiers: Orphanet 2134, MedGen C2931788, MONDO:0016244.

Submission:

Genomenon, Inc
Classification: Uncertain significance for Complement component 3 deficiency; C3 glomerulonephritis; Atypical hemolytic-uremic syndrome. Last evaluated: 2025-09-30. Review status: criteria provided, single submitter. Criteria: Genomenon Sequence Variant Interpretation Standards. Collection method: curation. Allele origin: germline. Affected: no.
Comment: C3 p.Val326Ala (c.977T>C) is a missense variant that changes the amino acid at residue 326 from Valine to Alanine. This variant has been reported in the published literature (PMID:30131807). It is absent or not present at a significant frequency in gnomAD. In silico models agree that this variant is not damaging. In conclusion, we classify C3 p.Val326Ala (c.977T>C) as a variant of unknown significance.

Literature cited by the submitters: PubMed 30131807.

NM_000064.4(C3):c.977T>C (p.Val326Ala)

Gene: C3 (complement C3; minus strand). Cytogenetic location: 19p13.3.
Variant type: single nucleotide variant.
Coding change: c.977T>C on transcript NM_000064.4 (MANE Select); coding-DNA position 977, T replaced by C.
Protein change: p.Val326Ala; replaces valine 326 with alanine.
Molecular consequence: missense variant.
Genome position (GRCh38, 1-based): chr19:6,713,215, A>G on the plus strand (T>C on the coding strand, the complement: C3 is on the minus strand). VCF-style: chr19-6713215-A-G. GRCh37 (hg19) VCF-style: chr19-6713226-A-G.
Other names: short protein forms V326A.
Identifiers: ClinVar variation 4280282 (VCV004280282.1).